The following is an entry in ClinVar:

NM_000018.4(ACADVL):c.1661A>G (p.His554Arg)

Gene: ACADVL (acyl-CoA dehydrogenase very long chain; plus strand). Cytogenetic location: 17p13.1.
Variant type: single nucleotide variant.
Coding change: c.1661A>G on transcript NM_000018.4 (MANE Select); coding-DNA position 1661, A replaced by G.
Protein change: p.His554Arg; replaces histidine 554 with arginine.
Molecular consequence: missense variant.
Genome position (GRCh38, 1-based): chr17:7,224,535, A>G. VCF-style: chr17-7224535-A-G. GRCh37 (hg19) VCF-style: chr17-7127854-A-G.
Other names: c.1595A>G, p.His532Arg (NM_001033859.3); c.1730A>G, p.His577Arg (NM_001270447.2); c.1433A>G, p.His478Arg (NM_001270448.2); short protein forms H532R, H554R, H478R, H577R.
Identifiers: ClinVar variation 3685474 (VCV003685474.2).

ClinVar aggregate classification (germline): Uncertain significance (1 of 4 stars; one submission).

Conditions:
Very long chain acyl-CoA dehydrogenase deficiency (ACADVLD). Also called: Very Long-Chain Acyl-Coenzyme A Dehydrogenase Deficiency; VLCAD Deficiency. Identifiers: Orphanet 26793, MedGen C3887523, MONDO:0008723, OMIM 201475.

Submission:

Labcorp Genetics (formerly Invitae), Labcorp
Classification: Uncertain significance for Very long chain acyl-CoA dehydrogenase deficiency. Last evaluated: 2024-01-29. Review status: criteria provided, single submitter. Criteria: Invitae Variant Classification Sherloc (09022015). Collection method: clinical testing. Allele origin: germline.
Comment: This sequence change replaces histidine, which is basic and polar, with arginine, which is basic and polar, at codon 554 of the ACADVL protein (p.His554Arg). This variant is not present in population databases (gnomAD no frequency). This variant has not been reported in the literature in individuals affected with ACADVL-related conditions. Advanced modeling of protein sequence and biophysical properties (such as structural, functional, and spatial information, amino acid conservation, physicochemical variation, residue mobility, and thermodynamic stability) performed at Invitae indicates that this missense variant is expected to disrupt ACADVL protein function with a positive predictive value of 95%. In summary, the available evidence is currently insufficient to determine the role of this variant in disease. Therefore, it has been classified as a Variant of Uncertain Significance.